The following is an entry in ClinVar:

ClinVar aggregate classification (germline): Uncertain significance. Review status: criteria provided, multiple submitters, no conflicts (2 of 4 stars). 3 submissions from 3 submitters: Uncertain significance (2). 1 of the submissions does not count toward it. Last evaluated 2025-12-03.

Conditions:
Combined immunodeficiency with faciooculoskeletal anomalies. Also called: Roifman-Chitayat syndrome, digenic; Roifman-Chitayat syndrome; COMBINED IMMUNODEFICIENCY, FACIAL DYSMORPHISM, OPTIC NERVE ATROPHY, SKELETAL ANOMALIES, AND DEVELOPMENTAL DELAY. Identifiers: Orphanet 221139, MedGen C2750068, MONDO:0013226, OMIM 613328.
Immunodeficiency 14b, autosomal recessive. Identifiers: MedGen C5543301, MONDO:0023655, OMIM 619281.
Immunodeficiency 14 (IMD14A). Also called: ACTIVATED PI3K-DELTA SYNDROME 1; Activated PI3K Delta Syndrome Type 1 (APDS1); p110-DELTA-ACTIVATING MUTATION CAUSING SENESCENT T CELLS, LYMPHADENOPATHY, AND IMMUNODEFICIENCY; IMMUNODEFICIENCY 14A WITH LYMPHOPROLIFERATION, AUTOSOMAL DOMINANT. Identifiers: Orphanet 397596, Orphanet 693661, MedGen C5907821, MONDO:0014222, OMIM 615513.

Allele frequency attached by ClinVar (database versions not stated): gnomAD exomes 0.00004; ExAC 0.00007; TOPMed 0.00009; gnomAD 0.00013 and 0.00014; ESP Exome Variant Server 0.00031.
gnomAD v4.1: 171 of 1,614,106 alleles (0.011%); highest among the groups gnomAD compares: Non-Finnish European, 0.013%; no homozygotes.

Submissions (3):

Labcorp Genetics (formerly Invitae), Labcorp
Classification: Uncertain significance for Activated PI3K-delta syndrome. Last evaluated: 2025-12-03. Review status: criteria provided, single submitter. Criteria: Invitae Variant Classification Sherloc (09022015). Collection method: clinical testing. Allele origin: germline.
Comment: This sequence change replaces valine, which is neutral and non-polar, with isoleucine, which is neutral and non-polar, at codon 20 of the PIK3CD protein (p.Val20Ile). This variant is present in population databases (rs143116020, gnomAD 0.007%). This variant has not been reported in the literature in individuals affected with PIK3CD-related conditions. ClinVar contains an entry for this variant (Variation ID: 1359338). An algorithm developed to predict the effect of missense changes on protein structure and function (PolyPhen-2) suggests that this variant is likely to be tolerated. In summary, the available evidence is currently insufficient to determine the role of this variant in disease. Therefore, it has been classified as a Variant of Uncertain Significance.

Department of Pathology and Laboratory Medicine, Sinai Health System
Classification: Uncertain significance for Combined immunodeficiency with faciooculoskeletal anomalies; Immunodeficiency 14; Immunodeficiency 14b, autosomal recessive. Last evaluated: 2021-07-30. Review status: criteria provided, single submitter. Criteria: ACMG Guidelines, 2015. Collection method: research. Allele origin: germline.

Rarefied Biosciences Lab
Classification: Likely benign for Immunodeficiency 14. Review status: no assertion criteria provided. Collection method: research. Allele origin: germline, not applicable. Affected: yes. Functional consequence: gain_of_function_variant. Not counted in ClinVar's aggregate classification.
Comment: PIK3CD c.58G>A (p.Val20Ile) variant results in a missense substitution of valine to isoleucine at codon 20. This residue is moderately conserved (phyloP100 score: 4.765), though the amino acid change is conservative and does not occur within a known critical functional domain of PIK3CD. The variant is rare but present in population databases, with a gnomAD exome allele frequency of 0.000104 (with mean coverage of 31.4), consistent with a benign classification for rare disorders. Immune profiling revealed T follicular helper (TFH) cells at 12.1% which is normal compared to controls. Transitional B cells are at 16.8%, which are mildly elevated but not specific for PIK3CD-associated immune dysregulation. Importantly, there was no abnormal mTOR activation, indicating that PI3K pathway signaling remains intact. Computational predictions strongly support a benign interpretation: AlphaMissense score is 0.07219 (Benign Strong). Given the lack of mTOR pathway activation, normal immune function, benign computational predictions, and allele frequency data, the PIK3CD c.58G>A (p.Val20Ile) variant is classified as Likely Benign

Literature cited by the submitters: PubMed 31031754 (cited by Rarefied Biosciences Lab).

NM_005026.5(PIK3CD):c.58G>A (p.Val20Ile)

Gene: PIK3CD (phosphatidylinositol-4,5-bisphosphate 3-kinase catalytic subunit delta; plus strand). Cytogenetic location: 1p36.22.
Variant type: single nucleotide variant.
Coding change: c.58G>A on transcript NM_005026.5 (MANE Select); coding-DNA position 58, G replaced by A.
Protein change: p.Val20Ile; replaces valine 20 with isoleucine.
Molecular consequence: missense variant.
Genome position (GRCh38, 1-based): chr1:9,710,513, G>A. VCF-style: chr1-9710513-G-A. GRCh37 (hg19) VCF-style: chr1-9770571-G-A.
Other names: c.58G>A, p.Val20Ile (NM_001350234.2, NM_001350235.1); c.58G>A (NM_005026.3); short protein forms V20I.
Identifiers: ClinVar variation 1359338 (VCV001359338.10), dbSNP rs143116020, ClinGen allele CA576768.